The following is an entry in ClinVar:

ClinVar aggregate classification (germline): Uncertain significance (1 of 4 stars; one submission).

Allele frequency attached by ClinVar (database versions not stated): gnomAD 0.00007 and 0.00008; gnomAD exomes 0.00007; ExAC 0.00008; TOPMed 0.00008; 1000 Genomes Project 30x 0.00016; 1000 Genomes Project 0.00020.
gnomAD v4.1: 71 of 1,612,996 alleles (0.0044%); highest among the groups gnomAD compares: East Asian, 0.025%; no homozygotes.

Submission:

Labcorp Genetics (formerly Invitae), Labcorp
Classification: Uncertain significance. Last evaluated: 2025-07-23. Review status: criteria provided, single submitter. Criteria: Invitae Variant Classification Sherloc (09022015). Collection method: clinical testing. Allele origin: germline.
Comment: This sequence change replaces arginine, which is basic and polar, with tryptophan, which is neutral and slightly polar, at codon 1001 of the SKIV2L protein (p.Arg1001Trp). This variant is present in population databases (rs139956599, gnomAD 0.05%). This variant has not been reported in the literature in individuals affected with SKIV2L-related conditions. ClinVar contains an entry for this variant (Variation ID: 1390043). An algorithm developed to predict the effect of missense changes on protein structure and function (PolyPhen-2) suggests that this variant is likely to be disruptive. In summary, the available evidence is currently insufficient to determine the role of this variant in disease. Therefore, it has been classified as a Variant of Uncertain Significance.

NM_006929.5(SKIC2):c.3001C>T (p.Arg1001Trp)

Gene: SKIC2 (SKI2 subunit of superkiller complex; plus strand). Cytogenetic location: 6p21.33.
Variant type: single nucleotide variant.
Coding change: c.3001C>T on transcript NM_006929.5 (MANE Select); coding-DNA position 3001, C replaced by T.
Protein change: p.Arg1001Trp; replaces arginine 1001 with tryptophan.
Molecular consequence: missense variant.
Genome position (GRCh38, 1-based): chr6:31,968,470, C>T. VCF-style: chr6-31968470-C-T. GRCh37 (hg19) VCF-style: chr6-31936247-C-T.
Other names: short protein forms R1001W.
Identifiers: ClinVar variation 1390043 (VCV001390043.4), dbSNP rs139956599, ClinGen allele CA3729925.
Genomic context (GRCh38, chr6:31,968,470, plus strand): 5'-ACCCTCGACCCTGTCAATGACCTGCAGCTCAAAGATATGTCAGTTGTAGAGGGTGGGCTC[C>T]GGGCCCGGAAGCTGGAGGAGCTGATCCAGGGGGCTCAGTGTGTACACAGCCCCCGTTTTC-3'
Protein context (NP_008860.4, residues 991-1011): KDMSVVEGGL[Arg1001Trp]ARKLEELIQG